The following is an entry in ClinVar:

ClinVar aggregate classification (germline): Uncertain significance. Review status: criteria provided, multiple submitters, no conflicts (2 of 4 stars). 2 submissions from 2 submitters: Uncertain significance (2). Last evaluated 2022-12-13.

Allele frequency attached by ClinVar (database versions not stated): ExAC 0.00001.

Submissions (2):

Blueprint Genetics
Classification: Uncertain significance. Last evaluated: 2022-12-13. Review status: criteria provided, single submitter. Criteria: ACMG Guidelines, 2015. Collection method: clinical testing. Allele origin: germline.

Labcorp Genetics (formerly Invitae), Labcorp
Classification: Uncertain significance. Last evaluated: 2022-07-19. Review status: criteria provided, single submitter. Criteria: Invitae Variant Classification Sherloc (09022015). Collection method: clinical testing. Allele origin: germline.
Comment: Algorithms developed to predict the effect of missense changes on protein structure and function (SIFT, PolyPhen-2, Align-GVGD) all suggest that this variant is likely to be tolerated. ClinVar contains an entry for this variant (Variation ID: 1043916). This missense change has been observed in individual(s) with clinical features of ABCA4-related conditions (Invitae). This variant is present in population databases (rs761134287, gnomAD 0.0009%). This sequence change replaces glutamine, which is neutral and polar, with arginine, which is basic and polar, at codon 2272 of the ABCA4 protein (p.Gln2272Arg). Algorithms developed to predict the effect of sequence changes on RNA splicing suggest that this variant may disrupt the consensus splice site. In summary, the available evidence is currently insufficient to determine the role of this variant in disease. Therefore, it has been classified as a Variant of Uncertain Significance.

NM_000350.3(ABCA4):c.6815A>G (p.Gln2272Arg)

Gene: ABCA4 (ATP binding cassette subfamily A member 4; minus strand). Cytogenetic location: 1p22.1.
Variant type: single nucleotide variant.
Coding change: c.6815A>G on transcript NM_000350.3 (MANE Select); coding-DNA position 6815, A replaced by G.
Protein change: p.Gln2272Arg; replaces glutamine 2272 with arginine.
Molecular consequence: missense variant.
Genome position (GRCh38, 1-based): chr1:93,996,110, T>C on the plus strand (A>G on the coding strand, the complement: ABCA4 is on the minus strand). VCF-style: chr1-93996110-T-C. GRCh37 (hg19) VCF-style: chr1-94461666-T-C.
Other names: c.6593A>G, p.Gln2198Arg (NM_001425324.1); short protein forms Q2272R, Q2198R.
Identifiers: ClinVar variation 1043916 (VCV001043916.9), dbSNP rs761134287, ClinGen allele CA956784.